The following is an entry in ClinVar:

NM_000179.3(MSH6):c.1522G>A (p.Val508Met)

Gene: MSH6 (mutS homolog 6; plus strand). Cytogenetic location: 2p16.3.
Variant type: single nucleotide variant.
Coding change: c.1522G>A on transcript NM_000179.3 (MANE Select); coding-DNA position 1522, G replaced by A.
Protein change: p.Val508Met; replaces valine 508 with methionine.
Molecular consequence: missense variant.
Genome position (GRCh38, 1-based): chr2:47,799,505, G>A. VCF-style: chr2-47799505-G-A. GRCh37 (hg19) VCF-style: chr2-48026644-G-A.
Other names: c.1132G>A, p.Val378Met (NM_001281492.2); c.616G>A, p.Val206Met (NM_001281493.2, NM_001281494.2); short protein forms V206M, V378M, V508M.
Identifiers: ClinVar variation 843363 (VCV000843363.13), dbSNP rs747971039, ClinGen allele CA067797.

ClinVar aggregate classification (germline): Conflicting classifications of pathogenicity. Review status: criteria provided, conflicting classifications (1 of 4 stars). 2 submissions from 2 submitters: Uncertain significance (1); Likely benign (1). Last evaluated 2025-08-11.

Conditions:
Hereditary nonpolyposis colorectal neoplasms. Identifiers: MedGen C0009405, MeSH D003123.
Hereditary cancer-predisposing syndrome. Also called: Hereditary Cancer Syndrome; Hereditary neoplastic syndrome; Tumor predisposition; Neoplastic Syndromes, Hereditary. Identifiers: Orphanet 140162, MedGen C0027672, MeSH D009386, MONDO:0015356.

Allele frequency attached by ClinVar (database versions not stated): gnomAD exomes below 0.00001; ExAC 0.00001.
gnomAD v4.1: 1 of 1,614,198 alleles (0.000062%); highest among the groups gnomAD compares: South Asian, 0.0011%; no homozygotes.

Submissions (2):

Labcorp Genetics (formerly Invitae), Labcorp
Classification: Likely benign for Hereditary nonpolyposis colorectal neoplasms. Last evaluated: 2025-08-11. Review status: criteria provided, single submitter. Criteria: Invitae Variant Classification Sherloc (09022015). Collection method: clinical testing. Allele origin: germline.

Ambry Genetics
Classification: Uncertain significance for Hereditary cancer-predisposing syndrome. Last evaluated: 2025-03-04. Review status: criteria provided, single submitter. Criteria: Ambry Variant Classification Scheme 2023. Collection method: clinical testing. Allele origin: germline.
Comment: The p.V508M variant (also known as c.1522G>A), located in coding exon 4 of the MSH6 gene, results from a G to A substitution at nucleotide position 1522. The valine at codon 508 is replaced by methionine, an amino acid with highly similar properties. This amino acid position is highly conserved in available vertebrate species. In addition, this alteration is predicted to be deleterious by in silico analysis. Based on the available evidence, the clinical significance of this variant remains unclear.